The following is an entry in ClinVar:

ClinVar aggregate classification (germline): Conflicting classifications of pathogenicity. Review status: criteria provided, conflicting classifications (1 of 4 stars). 3 submissions from 3 submitters: Likely pathogenic (1); Uncertain significance (2). Last evaluated 2025-10-17.

Conditions:
Hereditary spastic paraplegia 7 (SPG7). Also called: Autosomal recessive spastic paraplegia type 7; Spastic paraplegia 7; Hereditary spastic paraplegia Paraplegin type; SPG7-related neurologic disorder; SPASTIC PARAPLEGIA 7, AUTOSOMAL RECESSIVE, WITH OR WITHOUT CEREBELLAR ATAXIA. Identifiers: Orphanet 99013, MedGen C1846564, MONDO:0011803, OMIM 607259.

Allele frequency attached by ClinVar (database versions not stated): gnomAD exomes 0.00001; TOPMed 0.00001; ExAC 0.00001; ESP Exome Variant Server 0.00008.
gnomAD v4.1: 4 of 1,614,122 alleles (0.00025%); highest among the groups gnomAD compares: Non-Finnish European, 0.00034%; no homozygotes.

Submissions (3):

Dasa
Classification: Uncertain significance. Last evaluated: 2025-10-17. Review status: criteria provided, single submitter. Criteria: DASA Assertion Criteria. Collection method: clinical testing. Allele origin: germline.
Comment: NM_003119.4(SPG7):c.524T>C (p.Leu175Pro) is a missense variant that results in the substitution of leucine with proline. This variant has been reported in individuals with SPG7-related disorders. Also, this variant is rare in population databases. Computational prediction algorithms are consistent with a deleterious effect. The currently available literature and clinical evidence are not sufficient to establish a definitive association between this variant and the reported condition. Therefore, this variant is classified as a variant of uncertain significance.

Laboratorio de Genetica e Diagnostico Molecular, Hospital Israelita Albert Einstein
Classification: Uncertain significance for Hereditary spastic paraplegia 7. Last evaluated: 2025-07-04. Review status: criteria provided, single submitter. Criteria: ACMG Guidelines, 2015. Collection method: clinical testing. Allele origin: germline. Affected: yes.
Comment: ACMG classification criteria: PM2 supporting, PP3 supporting

GeneDx
Classification: Likely pathogenic. Last evaluated: 2014-07-03. Review status: criteria provided, single submitter. Criteria: GeneDx Variant Classification (06012015). Collection method: clinical testing. Allele origin: germline. Affected: yes.
Comment: p.Leu175Pro (CTG>CCG): c.524 T>C in exon 4 of the SPG7 gene (NM_003119.2). The L175P variant is a semi-conservative amino acid substitution, which may impact secondary protein structure as these residues differ in some properties. This substitution occurs at a position that is highly conserved across species. In silico analysis predicts this variant is probably damaging to the protein structure/function. Therefore, this variant is a strong candidate for a pathogenic mutation, however the possibility that it is a benign variant cannot be excluded. The variant is found in OAPEO-MITOP panel(s).

NM_003119.4(SPG7):c.524T>C (p.Leu175Pro)

Gene: SPG7 (SPG7 matrix AAA peptidase subunit, paraplegin; plus strand). Cytogenetic location: 16q24.3.
Variant type: single nucleotide variant.
Coding change: c.524T>C on transcript NM_003119.4 (MANE Select); coding-DNA position 524, T replaced by C.
Protein change: p.Leu175Pro; replaces leucine 175 with proline.
Molecular consequence: missense variant.
Genome position (GRCh38, 1-based): chr16:89,524,153, T>C. VCF-style: chr16-89524153-T-C. GRCh37 (hg19) VCF-style: chr16-89590561-T-C.
Other names: p.L175P:CTG>CCG; c.524T>C, p.Leu175Pro (NM_001363850.1, NM_199367.3); short protein forms L175P.
Identifiers: ClinVar variation 215204 (VCV000215204.5), dbSNP rs149797758, ClinGen allele CA321922.
Genomic context (GRCh38, chr16:89,524,153, plus strand): 5'-TGAATGCTCTCAGCACCAGCGGAGGCAGCATTTCCTGGAACGACTTTGTCCACGAGATGC[T>C]GGCCAAGGGCGAGGTGCAGCGCGTCCAGGTGGTGCCTGAGAGCGACGTGGTGGAAGTCTA-3'
Protein context (NP_003110.1, residues 165-185): ISWNDFVHEM[Leu175Pro]AKGEVQRVQV